The following is an entry in ClinVar:

ClinVar aggregate classification (germline): Uncertain significance (1 of 4 stars; one submission).

Submission:

GeneDx
Classification: Uncertain significance. Last evaluated: 2024-04-18. Review status: criteria provided, single submitter. Criteria: GeneDx Variant Classification Process June 2021. Collection method: clinical testing. Allele origin: germline. Affected: yes.
Comment: Not observed at significant frequency in large population cohorts (gnomAD); Normal stop codon changed to a C codon, leading to the addition of 55 amino acids at the C-terminus; Has not been previously published as pathogenic or benign to our knowledge

NM_004970.3(IGFALS):c.1818A>T (p.Ter606Cys)

Gene: IGFALS (insulin like growth factor binding protein acid labile subunit; minus strand). Cytogenetic location: 16p13.3.
Variant type: single nucleotide variant.
Coding change: c.1818A>T on transcript NM_004970.3 (MANE Select); coding-DNA position 1818, A replaced by T.
Protein change: p.Ter606Cys.
Molecular consequence: stop lost. On other transcripts: non-coding transcript variant (1).
Genome position (GRCh38, 1-based): chr16:1,790,600, T>A on the plus strand (A>T on the coding strand, the complement: IGFALS is on the minus strand). VCF-style: chr16-1790600-T-A. GRCh37 (hg19) VCF-style: chr16-1840601-T-A.
Other names: c.1932A>T, p.Ter644Cys (NM_001146006.2).
Identifiers: ClinVar variation 1711909 (VCV001711909.3), dbSNP rs2548155521, ClinGen allele CA394262609.